The following is an entry in ClinVar:

NM_024649.5(BBS1):c.1577C>T (p.Ala526Val)

Genes: BBS1 (Bardet-Biedl syndrome 1; plus strand), ZDHHC24 (zDHHC palmitoyltransferase 24; minus strand). Cytogenetic location: 11q13.2.
Variant type: single nucleotide variant.
Coding change: c.1577C>T on transcript NM_024649.5 (MANE Select); coding-DNA position 1577, C replaced by T.
Protein change: p.Ala526Val; replaces alanine 526 with valine.
Molecular consequence: missense variant. On other transcripts: intron variant (1).
Genome position (GRCh38, 1-based): chr11:66,530,997, C>T. VCF-style: chr11-66530997-C-T. GRCh37 (hg19) VCF-style: chr11-66298468-C-T.
Other names: c.560-1509G>A (NM_001348571.2); short protein forms A526V.
Identifiers: ClinVar variation 2071280 (VCV002071280.11), dbSNP rs759763673, ClinGen allele CA6123816.

ClinVar aggregate classification (germline): Conflicting classifications of pathogenicity. Review status: criteria provided, conflicting classifications (1 of 4 stars). 5 submissions from 5 submitters: Uncertain significance (3); Likely benign (1). 1 of the submissions does not count toward it. Last evaluated 2025-09-01.

Conditions:
Bardet-Biedl syndrome (BBS). Identifiers: Orphanet 110, MedGen C0752166, MONDO:0015229.
BBS1-related disorder. Also called: BBS1-related condition.
Inborn genetic diseases. Identifiers: MedGen C0950123, MeSH D030342.

Allele frequency attached by ClinVar (database versions not stated): ExAC 0.00002; gnomAD 0.00001; gnomAD exomes 0.00001; TOPMed 0.00003.
gnomAD v4.1: 19 of 1,614,098 alleles (0.0012%); highest among the groups gnomAD compares: Middle Eastern, 0.016%; no homozygotes.

Submissions (5):

CeGaT Center for Human Genetics Tuebingen
Classification: Uncertain significance. Last evaluated: 2025-09-01. Review status: criteria provided, single submitter. Criteria: CeGaT Center For Human Genetics Tuebingen Variant Classification Criteria Version 2. Collection method: clinical testing. Allele origin: germline. Affected: yes. Observed: 1 variant allele.
Comment: BBS1: PM2

Ambry Genetics
Classification: Likely benign for Inborn genetic diseases. Last evaluated: 2024-03-07. Review status: criteria provided, single submitter. Criteria: Ambry Variant Classification Scheme 2023. Collection method: clinical testing. Allele origin: germline.

Blueprint Genetics
Classification: Uncertain significance. Last evaluated: 2021-10-26. Review status: criteria provided, single submitter. Criteria: ACMG Guidelines, 2015. Collection method: clinical testing. Allele origin: germline.

Labcorp Genetics (formerly Invitae), Labcorp
Classification: Uncertain significance for Bardet-Biedl syndrome. Last evaluated: 2021-08-24. Review status: criteria provided, single submitter. Criteria: Invitae Variant Classification Sherloc (09022015). Collection method: clinical testing. Allele origin: germline.
Comment: This sequence change replaces alanine with valine at codon 526 of the BBS1 protein (p.Ala526Val). The alanine residue is weakly conserved and there is a small physicochemical difference between alanine and valine. The frequency data for this variant in the population databases is considered unreliable, as metrics indicate poor data quality at this position in the ExAC database. This variant has not been reported in the literature in individuals affected with BBS1-related conditions. Algorithms developed to predict the effect of missense changes on protein structure and function output the following: SIFT: "Tolerated"; PolyPhen-2: "Benign"; Align-GVGD: "Class C0". The valine amino acid residue is found in multiple mammalian species, which suggests that this missense change does not adversely affect protein function. Algorithms developed to predict the effect of sequence changes on RNA splicing suggest that this variant may create or strengthen a splice site. In summary, the available evidence is currently insufficient to determine the role of this variant in disease. Therefore, it has been classified as a Variant of Uncertain Significance.

PreventionGenetics, part of Exact Sciences
Classification: Uncertain significance for BBS1-related condition. Last evaluated: 2024-05-16. Review status: no assertion criteria provided. Collection method: clinical testing. Allele origin: germline. Not counted in ClinVar's aggregate classification.
Comment: The BBS1 c.1577C>T variant is predicted to result in the amino acid substitution p.Ala526Val. To our knowledge, this variant has not been reported in the literature. This variant is reported in 0.0050% of alleles in individuals of East Asian descent in gnomAD. At this time, the clinical significance of this variant is uncertain due to the absence of conclusive functional and genetic evidence.